The following is an entry in ClinVar:

ClinVar aggregate classification (germline): Uncertain significance (1 of 4 stars; one submission).

Conditions:
Tuberous sclerosis 1 (TSC1). Identifiers: Orphanet 805, MedGen C1854465, MONDO:0008612, OMIM 191100.

Submission:

Labcorp Genetics (formerly Invitae), Labcorp
Classification: Uncertain significance for Tuberous sclerosis 1. Last evaluated: 2020-08-26. Review status: criteria provided, single submitter. Criteria: Invitae Variant Classification Sherloc (09022015). Collection method: clinical testing. Allele origin: germline.
Comment: Nucleotide substitutions within the consensus splice site are a relatively common cause of aberrant splicing (PMID: 17576681, 9536098). Algorithms developed to predict the effect of sequence changes on RNA splicing suggest that this variant is not likely to affect RNA splicing, but this prediction has not been confirmed by published transcriptional studies. In summary, the available evidence is currently insufficient to determine the role of this variant in disease. Therefore, it has been classified as a Variant of Uncertain Significance. This variant has not been reported in the literature in individuals with TSC1-related conditions. This sequence change falls in intron 16 of the TSC1 gene. It does not directly change the encoded amino acid sequence of the TSC1 protein, but it affects a nucleotide within the consensus splice site of the intron. This variant is not present in population databases (ExAC no frequency).

Literature cited by the submitters: PubMed 17576681; PubMed 9536098.

NM_000368.5(TSC1):c.2041+6G>A

Gene: TSC1 (TSC complex subunit 1; minus strand). Cytogenetic location: 9q34.13.
Variant type: single nucleotide variant.
Coding change: c.2041+6G>A on transcript NM_000368.5 (MANE Select); 6 bases into the intron after coding-DNA position 2041, G replaced by A.
Molecular consequence: intron variant.
Genome position (GRCh38, 1-based): chr9:132,904,405, C>T on the plus strand (G>A on the coding strand, the complement: TSC1 is on the minus strand). VCF-style: chr9-132904405-C-T. GRCh37 (hg19) VCF-style: chr9-135779792-C-T.
Other names: c.1678+6G>A (NM_001362177.2); c.1888+6G>A (NM_001162427.2); c.2038+6G>A (NM_001162426.2).
Identifiers: ClinVar variation 1040665 (VCV001040665.6), dbSNP rs1845540881, ClinGen allele CA1882412111.